The following is an entry in ClinVar:

ClinVar aggregate classification (germline): Uncertain significance (1 of 4 stars; one submission).

Conditions:
Neuronal ceroid lipofuscinosis 15. Also called: Neurodegeneration, childhood-onset, with hypotonia, respiratory insufficiency, and brain imaging abnormalities; Neurodegeneration, childhood-onset, hypotonia, respiratory insufficiency and brain imaging abnormalities. Identifiers: Orphanet 610573, MedGen C5543020, MONDO:0030947, OMIM 619173.

Submission:

Victorian Clinical Genetics Services, Murdoch Childrens Research Institute
Classification: Uncertain significance for Neuronal ceroid lipofuscinosis 15. Last evaluated: 2022-02-02. Review status: criteria provided, single submitter. Criteria: ACMG Guidelines, 2015. Collection method: clinical testing. Allele origin: germline. Inheritance: Autosomal dominant inheritance. Affected: yes.
Comment: Based on the classification scheme VCGS_Germline_v1.3.4, this variant is classified as VUS-3B. Following criteria are met: 0101 - Gain of function is a known mechanism of disease in this gene and is associated with neurodegeneration, childhood-onset, hypotonia, respiratory insufficiency and brain imaging abnormalities (MIM#619173) (PMID: 33217309). (I) 0107 - This gene is associated with autosomal dominant disease. (I) 0200 - Variant is predicted to result in a missense amino acid change from phenylalanine to leucine. (I) 0251 - This variant is heterozygous. (I) 0301 - Variant is absent from gnomAD (both v2 and v3). (SP) 0309 - An alternative amino acid change at the same position has been observed in gnomAD (v3: 3 heterozygotes). (I) 0502 - Missense variant with conflicting in silico predictions and uninformative conservation. (I) 0600 - Variant is located in the annotated Voltage gated chloride channel (DECIPHER). (I) 0705 - No comparable missense variants have previous evidence for pathogenicity. (I) 0807 - This variant has no previous evidence of pathogenicity. (I) 0905 - No published segregation evidence has been identified for this variant. (I) 1007 - No published functional evidence has been identified for this variant. (I) 1208 - Inheritance information for this variant is not currently available in this individual. (I) Legend: (SP) - Supporting pathogenic, (I) - Information, (SB) - Supporting benign

Literature cited by the submitters: PubMed 33217309.

NM_001286.5(CLCN6):c.1404C>G (p.Phe468Leu)

Gene: CLCN6 (Cl-/H+ antiporter 6; plus strand). Cytogenetic location: 1p36.22.
Variant type: single nucleotide variant.
Coding change: c.1404C>G on transcript NM_001286.5 (MANE Select); coding-DNA position 1404, C replaced by G.
Protein change: p.Phe468Leu; replaces phenylalanine 468 with leucine.
Molecular consequence: missense variant. On other transcripts: non-coding transcript variant (1).
Genome position (GRCh38, 1-based): chr1:11,833,908, C>G. VCF-style: chr1-11833908-C-G. GRCh37 (hg19) VCF-style: chr1-11893965-C-G.
Other names: c.1338C>G, p.Phe446Leu (NM_001256959.2); short protein forms F446L, F468L.
Identifiers: ClinVar variation 1805218 (VCV001805218.1), dbSNP rs2100652714, ClinGen allele CA338435303.